The following is an entry in ClinVar:

NM_000428.3(LTBP2):c.4273A>G (p.Ser1425Gly)

Gene: LTBP2 (latent transforming growth factor beta binding protein 2; minus strand). Cytogenetic location: 14q24.3.
Variant type: single nucleotide variant.
Coding change: c.4273A>G on transcript NM_000428.3 (MANE Select); coding-DNA position 4273, A replaced by G.
Protein change: p.Ser1425Gly; replaces serine 1425 with glycine.
Molecular consequence: missense variant.
Genome position (GRCh38, 1-based): chr14:74,505,079, T>C on the plus strand (A>G on the coding strand, the complement: LTBP2 is on the minus strand). VCF-style: chr14-74505079-T-C. GRCh37 (hg19) VCF-style: chr14-74971782-T-C.
Other names: short protein forms S1425G.
Identifiers: ClinVar variation 1991403 (VCV001991403.4), dbSNP rs376247274, ClinGen allele CA7268804.

ClinVar aggregate classification (germline): Uncertain significance. Review status: criteria provided, multiple submitters, no conflicts (2 of 4 stars). 2 submissions from 2 submitters: Uncertain significance (2). Last evaluated 2025-05-18.

Conditions:
Inborn genetic diseases. Identifiers: MedGen C0950123, MeSH D030342.

Allele frequency attached by ClinVar (database versions not stated): TOPMed below 0.00001; ExAC 0.00001; gnomAD 0.00001.
gnomAD v4.1: 16 of 1,614,030 alleles (0.00099%); highest among the groups gnomAD compares: African/African-American, 0.016%; no homozygotes.

Submissions (2):

Labcorp Genetics (formerly Invitae), Labcorp
Classification: Uncertain significance. Last evaluated: 2025-05-18. Review status: criteria provided, single submitter. Criteria: Invitae Variant Classification Sherloc (09022015). Collection method: clinical testing. Allele origin: germline.
Comment: This sequence change replaces serine, which is neutral and polar, with glycine, which is neutral and non-polar, at codon 1425 of the LTBP2 protein (p.Ser1425Gly). This variant is present in population databases (rs376247274, gnomAD 0.007%). This variant has not been reported in the literature in individuals affected with LTBP2-related conditions. ClinVar contains an entry for this variant (Variation ID: 1991403). An algorithm developed to predict the effect of missense changes on protein structure and function (PolyPhen-2) suggests that this variant is likely to be tolerated. In summary, the available evidence is currently insufficient to determine the role of this variant in disease. Therefore, it has been classified as a Variant of Uncertain Significance.

Ambry Genetics
Classification: Uncertain significance for Inborn genetic diseases. Last evaluated: 2021-08-09. Review status: criteria provided, single submitter. Criteria: Ambry Variant Classification Scheme 2023. Collection method: clinical testing. Allele origin: germline.